The following is an entry in ClinVar:

NM_018990.4(SASH3):c.730C>T (p.Arg244Cys)

Gene: SASH3 (SAM and SH3 domain containing 3; plus strand). Cytogenetic location: Xq26.1.
Variant type: single nucleotide variant.
Coding change: c.730C>T on transcript NM_018990.4 (MANE Select); coding-DNA position 730, C replaced by T.
Protein change: p.Arg244Cys; replaces arginine 244 with cysteine.
Molecular consequence: missense variant.
Genome position (GRCh38, 1-based): chrX:129,792,765, C>T. VCF-style: chrX-129792765-C-T. GRCh37 (hg19) VCF-style: chrX-128926741-C-T.
Other names: short protein forms R244C.
Identifiers: ClinVar variation 731424 (VCV000731424.4), dbSNP rs147976313, ClinGen allele CA10513294.
Genomic context (GRCh38, chrX:129,792,765, plus strand): 5'-TTCAAATTCATCTATGTGGATGTGCTGCCCGAGGAGGCCGTGGGGCATGCCCGCCCCAGC[C>T]GCCGACAGAGCAAGGGCAAGAGGCCCAAGCCTAAGACCCTGCATGAGCTGCTGGAGCGCA-3'
Protein context (NP_061863.1, residues 234-254): EEAVGHARPS[Arg244Cys]RQSKGKRPKP

ClinVar aggregate classification (germline): Benign/Likely benign. Review status: criteria provided, multiple submitters, no conflicts (2 of 4 stars). 2 submissions from 2 submitters: Benign (1); Likely benign (1). Last evaluated 2025-03-18.

Conditions:
SASH3-related condition.

Allele frequency attached by ClinVar (database versions not stated): 1000 Genomes Project 30x 0.00021; TOPMed 0.00037; gnomAD 0.00038 and 0.00040; ESP Exome Variant Server 0.00047; gnomAD exomes 0.00058 and 0.00036; 1000 Genomes Project 0.00026; ExAC 0.00033.

Submissions (2):

PreventionGenetics, part of Exact Sciences
Classification: Likely benign for SASH3-related condition. Last evaluated: 2025-03-18. Review status: criteria provided, single submitter. Criteria: ACMG Guidelines, 2015. Collection method: clinical testing. Allele origin: germline.
Comment: This variant is classified as likely benign based on ACMG/AMP sequence variant interpretation guidelines (Richards et al. 2015 PMID: 25741868, with internal and published modifications).

Labcorp Genetics (formerly Invitae), Labcorp
Classification: Benign. Last evaluated: 2018-07-31. Review status: criteria provided, single submitter. Criteria: Invitae Variant Classification Sherloc (09022015). Collection method: clinical testing. Allele origin: germline.